The following is an entry in ClinVar:

NM_004239.4(TRIP11):c.1622dup (p.Arg542fs)

Gene: TRIP11 (thyroid hormone receptor interactor 11; minus strand). Cytogenetic location: 14q32.12.
Variant type: Duplication.
Coding change: c.1622dup on transcript NM_004239.4 (MANE Select); coding-DNA position 1622, one base duplicated (A; older notation c.1622dupA).
Protein change: p.Arg542fs; shifts the reading frame from arginine 542.
Molecular consequence: frameshift variant.
Genome position (GRCh38, 1-based): chr14:92,006,354, T duplicated on the plus strand (A on the coding strand, the reverse complement: TRIP11 is on the minus strand); the first of 7 consecutive T bases (chr14:92,006,354-92,006,360); duplicating any one gives the same sequence. VCF-style (leftmost placement, unchanged base first): chr14-92006353-C-CT. GRCh37 (hg19) VCF-style: chr14-92472697-C-CT.
Other names: c.1619dup, p.Arg541fs (NM_001321851.1); short protein forms R542fs, R541fs.
Identifiers: ClinVar variation 2766007 (VCV002766007.3), dbSNP rs1420691965, ClinGen allele CA2626171106.

ClinVar aggregate classification (germline): Pathogenic (1 of 4 stars; one submission).

Conditions:
Achondrogenesis, type IA (ACG1A). Identifiers: Orphanet 932, Orphanet 93299, MedGen C0265273, MONDO:0008701, OMIM 200600.

Submission:

Labcorp Genetics (formerly Invitae), Labcorp
Classification: Pathogenic for Achondrogenesis, type IA. Last evaluated: 2025-02-03. Review status: criteria provided, single submitter. Criteria: Invitae Variant Classification Sherloc (09022015). Collection method: clinical testing. Allele origin: germline.
Comment: This sequence change creates a premature translational stop signal (p.Arg542Glufs*6) in the TRIP11 gene. It is expected to result in an absent or disrupted protein product. Loss-of-function variants in TRIP11 are known to be pathogenic (PMID: 20089971, 23956106). This variant is not present in population databases (gnomAD no frequency). This variant has not been reported in the literature in individuals affected with TRIP11-related conditions. ClinVar contains an entry for this variant (Variation ID: 2766007). For these reasons, this variant has been classified as Pathogenic.

Literature cited by the submitters: PubMed 20089971; PubMed 23956106.